The following is an entry in ClinVar:

ClinVar aggregate classification (germline): Likely pathogenic (1 of 4 stars; one submission).

Submission:

CeGaT Center for Human Genetics Tuebingen
Classification: Likely pathogenic. Last evaluated: 2025-01-01. Review status: criteria provided, single submitter. Criteria: CeGaT Center For Human Genetics Tuebingen Variant Classification Criteria Version 2. Collection method: clinical testing. Allele origin: germline. Affected: yes. Observed: 2 variant alleles.
Comment: PEX19: PM2, PP1:Moderate, PM3:Supporting, PP3

NM_002857.4(PEX19):c.816+5G>A

Gene: PEX19 (peroxisomal biogenesis factor 19; minus strand). Cytogenetic location: 1q23.2.
Variant type: single nucleotide variant.
Coding change: c.816+5G>A on transcript NM_002857.4 (MANE Select); 5 bases into the intron after coding-DNA position 816, G replaced by A.
Molecular consequence: intron variant.
Genome position (GRCh38, 1-based): chr1:160,279,796, C>T on the plus strand (G>A on the coding strand, the complement: PEX19 is on the minus strand). VCF-style: chr1-160279796-C-T. GRCh37 (hg19) VCF-style: chr1-160249586-C-T.
Other names: c.816+5G>A (NM_001193644.1).
Identifiers: ClinVar variation 3771562 (VCV003771562.13).